The following is an entry in ClinVar:

ClinVar aggregate classification (germline): Uncertain significance (1 of 4 stars; one submission).

Conditions:
Familial hemiplegic migraine. Identifiers: MedGen C0338484, MONDO:0000700.

Allele frequency attached by ClinVar (database versions not stated): ESP Exome Variant Server 0.00008.
gnomAD v4.1: 9 of 1,613,826 alleles (0.00056%); highest among the groups gnomAD compares: Admixed American, 0.005%; no homozygotes.

Submission:

Labcorp Genetics (formerly Invitae), Labcorp
Classification: Uncertain significance for Familial hemiplegic migraine. Last evaluated: 2023-04-09. Review status: criteria provided, single submitter. Criteria: Invitae Variant Classification Sherloc (09022015). Collection method: clinical testing. Allele origin: germline.
Comment: In summary, the available evidence is currently insufficient to determine the role of this variant in disease. Therefore, it has been classified as a Variant of Uncertain Significance. Variants that disrupt the consensus splice site are a relatively common cause of aberrant splicing (PMID: 17576681, 9536098). Algorithms developed to predict the effect of sequence changes on RNA splicing suggest that this variant is not likely to affect RNA splicing. This variant has not been reported in the literature in individuals affected with ATP1A2-related conditions. This variant is present in population databases (rs374355050, gnomAD 0.006%). This sequence change falls in intron 17 of the ATP1A2 gene. It does not directly change the encoded amino acid sequence of the ATP1A2 protein. It affects a nucleotide within the consensus splice site.

Literature cited by the submitters: PubMed 17576681; PubMed 9536098.

NM_000702.4(ATP1A2):c.2439+6C>A

Gene: ATP1A2 (ATPase Na+/K+ transporting subunit alpha 2; plus strand). Cytogenetic location: 1q23.2.
Variant type: single nucleotide variant.
Coding change: c.2439+6C>A on transcript NM_000702.4 (MANE Select); 6 bases into the intron after coding-DNA position 2439, C replaced by A.
Molecular consequence: intron variant.
Genome position (GRCh38, 1-based): chr1:160,135,999, C>A. VCF-style: chr1-160135999-C-A. GRCh37 (hg19) VCF-style: chr1-160105789-C-A.
Identifiers: ClinVar variation 2918052 (VCV002918052.3), dbSNP rs374355050, ClinGen allele CA1194734.
Genomic context (GRCh38, chr1:160,135,999, plus strand): 5'-CCCCCTACCTCTGGGCACTGTGACCATCCTTTGCATTGACCTGGGCACAGATATGGTGAG[C>A]GCAGGAGGTGGAGGAGGGGACAGGCAAGGCAATCGTGATGGCACAGTGGCAGGGAGGAGA-3'